The following is an entry in ClinVar:

ClinVar aggregate classification (germline): Uncertain significance (1 of 4 stars; one submission).

Conditions:
Brachydactyly type A1. Also called: FARABEE-TYPE BRACHYDACTYLY; SHORT STATURE WITH NONSPECIFIC SKELETAL ABNORMALITIES 2. Identifiers: Orphanet 93388, MedGen C1862151, MONDO:0007215, OMIM 112500, HP:0009371.

Submission:

Molecular Genetics, Royal Melbourne Hospital
Classification: Uncertain significance for Brachydactyly type A1. Last evaluated: 2025-02-06. Review status: criteria provided, single submitter. Criteria: ACMG Guidelines, 2015. Collection method: clinical testing. Allele origin: germline. Inheritance: Autosomal dominant inheritance.
Comment: This sequence change in IHH is predicted to replace alanine with threonine at codon 184, p.(Ala184Thr). The alanine residue is highly conserved (100 vertebrates, Multiz Alignments), and is located in the amino-terminal signalling domain. There is a small physicochemical difference between alanine and threonine. This variant is absent from the population database gnomAD v4.1. To our knowledge, this variant is novel and has not been previously reported in the relevant scientific literature or databases. Computational evidence predicts a deleterious effect for the missense substitution (REVEL = 0.76). Based on the classification scheme RMH Modified ACMG/AMP Guidelines v1.7.1, this variant is classified as a VARIANT OF UNCERTAIN SIGNIFICANCE. Following criteria are met: PM2_Supporting, PP3_Supporting.

NM_002181.4(IHH):c.550G>A (p.Ala184Thr)

Gene: IHH (Indian hedgehog signaling molecule; minus strand). Cytogenetic location: 2q35.
Variant type: single nucleotide variant.
Coding change: c.550G>A on transcript NM_002181.4 (MANE Select); coding-DNA position 550, G replaced by A.
Protein change: p.Ala184Thr; replaces alanine 184 with threonine.
Molecular consequence: missense variant.
Genome position (GRCh38, 1-based): chr2:219,057,460, C>T on the plus strand (G>A on the coding strand, the complement: IHH is on the minus strand). VCF-style: chr2-219057460-C-T. GRCh37 (hg19) VCF-style: chr2-219922182-C-T.
Other names: short protein forms A184T.
Identifiers: ClinVar variation 3773756 (VCV003773756.1).